The following is an entry in ClinVar:

NM_000090.4(COL3A1):c.2030C>G (p.Ala677Gly)

Gene: COL3A1 (collagen type III alpha 1 chain; plus strand). Cytogenetic location: 2q32.2.
Variant type: single nucleotide variant.
Coding change: c.2030C>G on transcript NM_000090.4 (MANE Select); coding-DNA position 2030, C replaced by G.
Protein change: p.Ala677Gly; replaces alanine 677 with glycine.
Molecular consequence: missense variant.
Genome position (GRCh38, 1-based): chr2:188,999,292, C>G. VCF-style: chr2-188999292-C-G. GRCh37 (hg19) VCF-style: chr2-189864018-C-G.
Other names: short protein forms A677G.
Identifiers: ClinVar variation 1523032 (VCV001523032.8), dbSNP rs2153502991, ClinGen allele CA349839787.

ClinVar aggregate classification (germline): Uncertain significance (1 of 4 stars; one submission).

Conditions:
Ehlers-Danlos syndrome, type 4 (EDSVASC). Also called: Ehlers-Danlos syndrome vascular type; Ehlers Danlos syndrome, ecchymotic type; Ehlers Danlos syndrome, arterial type; Ehlers Danlos syndrome, Sack-Barabas type; Ehlers-Danlos Syndrome Type IV. Identifiers: Orphanet 286, MedGen C0268338, MONDO:0017314, OMIM 130050.

Submission:

Labcorp Genetics (formerly Invitae), Labcorp
Classification: Uncertain significance for Ehlers-Danlos syndrome, type 4. Last evaluated: 2021-04-04. Review status: criteria provided, single submitter. Criteria: Invitae Variant Classification Sherloc (09022015). Collection method: clinical testing. Allele origin: germline.
Comment: In summary, the available evidence is currently insufficient to determine the role of this variant in disease. Therefore, it has been classified as a Variant of Uncertain Significance. Advanced modeling of protein sequence and biophysical properties (such as structural, functional, and spatial information, amino acid conservation, physicochemical variation, residue mobility, and thermodynamic stability) performed at Invitae indicates that this missense variant is not expected to disrupt COL3A1 protein function. This variant has not been reported in the literature in individuals with COL3A1-related conditions. This variant is not present in population databases (ExAC no frequency). This sequence change replaces alanine with glycine at codon 677 of the COL3A1 protein (p.Ala677Gly). The alanine residue is weakly conserved and there is a small physicochemical difference between alanine and glycine.